The following is an entry in ClinVar:

NM_001001331.4(ATP2B2):c.1919A>G (p.Asn640Ser)

Gene: ATP2B2 (ATPase plasma membrane Ca2+ transporting 2; minus strand). Cytogenetic location: 3p25.3.
Variant type: single nucleotide variant.
Coding change: c.1919A>G on transcript NM_001001331.4 (MANE Select); coding-DNA position 1919, A replaced by G.
Protein change: p.Asn640Ser; replaces asparagine 640 with serine.
Molecular consequence: missense variant.
Genome position (GRCh38, 1-based): chr3:10,358,908, T>C on the plus strand (A>G on the coding strand, the complement: ATP2B2 is on the minus strand). VCF-style: chr3-10358908-T-C. GRCh37 (hg19) VCF-style: chr3-10400592-T-C.
Other names: c.1784A>G, p.Asn595Ser (NM_001330611.3, NM_001353564.1, NM_001363862.1 and 1 more transcripts); short protein forms N640S, N595S.
Identifiers: ClinVar variation 2076677 (VCV002076677.8), dbSNP rs140327013, ClinGen allele CA2253540.
Genomic context (GRCh38, chr3:10,358,908, plus strand): 5'-ACCTTCTTTACCATCTCGTCCCGGTCGCGGGGCCGGAAGACACGAGGCTCTCCCGCCCCA[T>C]TGAGGATTTTGCAGCACCTAGGGGAGGATGGAAGGGAGATGGGGAGCCCAGGGAATGCTC-3'
Protein context (NP_001001331.1, residues 630-650): IVLKKCCKIL[Asn640Ser]GAGEPRVFRP

ClinVar aggregate classification (germline): Likely benign. Review status: criteria provided, multiple submitters, no conflicts (2 of 4 stars). 4 submissions from 4 submitters: Likely benign (4). Last evaluated 2026-08-14.

Conditions:
ATP2B2-related disorder. Also called: ATP2B2-related condition.

Allele frequency attached by ClinVar (database versions not stated): gnomAD 0.00023; TOPMed 0.00032; 1000 Genomes Project 0.00040; gnomAD exomes 0.00041; ExAC 0.00043; 1000 Genomes Project 30x 0.00047; ESP Exome Variant Server 0.00054.
gnomAD v4.1: 627 of 1,613,734 alleles (0.039%); highest among the groups gnomAD compares: Non-Finnish European, 0.046%; no homozygotes.

Submissions (4):

PreventionGenetics, part of Exact Sciences
Classification: Likely benign for ATP2B2-related condition. Last evaluated: 2026-08-14. Review status: criteria provided, single submitter. Criteria: ACMG Guidelines, 2015. Collection method: clinical testing. Allele origin: germline.
Comment: This variant is classified as likely benign based on ACMG/AMP sequence variant interpretation guidelines (Richards et al. 2015 PMID: 25741868, with internal and published modifications).

Blueprint Genetics
Classification: Likely benign. Last evaluated: 2024-11-24. Review status: criteria provided, single submitter. Criteria: ACMG Guidelines, 2015. Collection method: clinical testing. Allele origin: germline.

Labcorp Genetics (formerly Invitae), Labcorp
Classification: Likely benign. Last evaluated: 2023-07-24. Review status: criteria provided, single submitter. Criteria: Invitae Variant Classification Sherloc (09022015). Collection method: clinical testing. Allele origin: germline.

Ambry Genetics
Classification: Likely benign. Last evaluated: 2021-11-09. Review status: criteria provided, single submitter. Criteria: Ambry Variant Classification Scheme 2023. Collection method: clinical testing. Allele origin: germline.